The following is an entry in ClinVar:

ClinVar aggregate classification (germline): Uncertain significance (1 of 4 stars; one submission).

Conditions:
Developmental and epileptic encephalopathy, 42 (DEE42A). Also called: Epileptic encephalopathy, early infantile, 42; DEVELOPMENTAL AND EPILEPTIC ENCEPHALOPATHY 42A; EPILEPTIC ENCEPHALOPATHY, EARLY INFANTILE, 42A. Identifiers: MedGen C4310716, MONDO:0014917, OMIM 617106.
Episodic ataxia type 2 (EA2). Also called: CEREBELLAR ATAXIA, PAROXYSMAL, ACETAZOLAMIDE-RESPONSIVE; CEREBELLOPATHY, HEREDITARY PAROXYSMAL; EPISODIC ATAXIA, NYSTAGMUS-ASSOCIATED; ATAXIA, EPISODIC, WITH NYSTAGMUS; ATAXIA, FAMILIAL PAROXYSMAL; ACETAZOLAMIDE-RESPONSIVE HEREDITARY PAROXYSMAL CEREBELLAR ATAXIA. Identifiers: Orphanet 97, MedGen C1720416, MONDO:0007163, OMIM 108500.

Submission:

Labcorp Genetics (formerly Invitae), Labcorp
Classification: Uncertain significance for Developmental and epileptic encephalopathy, 42; Episodic ataxia type 2. Last evaluated: 2023-04-25. Review status: criteria provided, single submitter. Criteria: Invitae Variant Classification Sherloc (09022015). Collection method: clinical testing. Allele origin: germline.
Comment: In summary, the available evidence is currently insufficient to determine the role of this variant in disease. Therefore, it has been classified as a Variant of Uncertain Significance. Advanced modeling of protein sequence and biophysical properties (such as structural, functional, and spatial information, amino acid conservation, physicochemical variation, residue mobility, and thermodynamic stability) performed at Invitae indicates that this missense variant is not expected to disrupt CACNA1A protein function. ClinVar contains an entry for this variant (Variation ID: 659318). This variant has not been reported in the literature in individuals affected with CACNA1A-related conditions. This variant is not present in population databases (gnomAD no frequency). This sequence change replaces glutamine, which is neutral and polar, with histidine, which is basic and polar, at codon 2244 of the CACNA1A protein (p.Gln2244His).

NM_001127222.2(CACNA1A):c.6729G>T (p.Gln2243His)

Genes: CACNA1A (calcium voltage-gated channel subunit alpha1 A; minus strand), LOC130063717 (ATAC-STARR-seq lymphoblastoid silent region 10203; plus strand). Cytogenetic location: 19p13.13.
Variant type: single nucleotide variant.
Coding change: c.6729G>T on transcript NM_001127222.2 (MANE Select); coding-DNA position 6729, G replaced by T.
Protein change: p.Gln2243His; replaces glutamine 2243 with histidine.
Molecular consequence: missense variant.
Genome position (GRCh38, 1-based): chr19:13,208,807, C>A on the plus strand (G>T on the coding strand, the complement: CACNA1A is on the minus strand). VCF-style: chr19-13208807-C-A. GRCh37 (hg19) VCF-style: chr19-13319621-C-A.
Other names: c.6747G>T, p.Gln2249His (NM_000068.4, NM_023035.3); c.6732G>T, p.Gln2244His (NM_001127221.2); c.6738G>T, p.Gln2246His (NM_001174080.2); short protein forms Q2243H, Q2244H, Q2246H, Q2249H.
Identifiers: ClinVar variation 659318 (VCV000659318.9), dbSNP rs774078430, ClinGen allele CA9239279.